The following is an entry in ClinVar:

NM_015995.4(KLF13):c.781G>A (p.Gly261Ser)

Gene: KLF13 (KLF transcription factor 13; plus strand). Cytogenetic location: 15q13.3.
Variant type: single nucleotide variant.
Coding change: c.781G>A on transcript NM_015995.4 (MANE Select); coding-DNA position 781, G replaced by A.
Protein change: p.Gly261Ser; replaces glycine 261 with serine.
Molecular consequence: missense variant. On other transcripts: intron variant (1).
Genome position (GRCh38, 1-based): chr15:31,372,213, G>A. VCF-style: chr15-31372213-G-A. GRCh37 (hg19) VCF-style: chr15-31664416-G-A.
Other names: c.577+44424G>A (NM_001302461.2); short protein forms G261S.
Identifiers: ClinVar variation 4544241 (VCV004544241.1).

ClinVar aggregate classification (germline): Uncertain significance (1 of 4 stars; one submission).

Submission:

Ambry Genetics
Classification: Uncertain significance. Last evaluated: 2025-12-08. Review status: criteria provided, single submitter. Criteria: Ambry Variant Classification Scheme 2023. Collection method: clinical testing. Allele origin: germline.
Comment: The c.781G>A (p.G261S) alteration is located in exon 2 (coding exon 2) of the KLF13 gene. This alteration results from a G to A substitution at nucleotide position 781, causing the glycine (G) at amino acid position 261 to be replaced by a serine (S). Based on data from gnomAD, the A allele has an overall frequency of 0.004% (11/252948) total alleles studied. The highest observed frequency was 0.014% (3/21706) of African alleles. Based on insufficient or conflicting evidence, the clinical significance of this alteration remains unclear.